The following is an entry in ClinVar:

ClinVar aggregate classification (germline): Conflicting classifications of pathogenicity. Review status: criteria provided, conflicting classifications (1 of 4 stars). 3 submissions from 3 submitters: Likely pathogenic (1); Uncertain significance (2). Last evaluated 2023-07-25.

Conditions:
Premature ovarian insufficiency (POF). Also called: Premature ovarian failure. Identifiers: MedGen C4303540, HP:0008209.

Allele frequency attached by ClinVar (database versions not stated): gnomAD exomes below 0.00001; TOPMed below 0.00001.

Submissions (3):

Women's Health and Genetics/Laboratory Corporation of America, LabCorp
Classification: Uncertain significance. Last evaluated: 2023-07-25. Review status: criteria provided, single submitter. Criteria: LabCorp Variant Classification Summary - May 2015. Collection method: clinical testing. Allele origin: germline.
Comment: Variant summary: CYP17A1 c.644T>G (p.Val215Gly) results in a non-conservative amino acid change in the encoded protein sequence. Four of five in-silico tools predict a damaging effect of the variant on protein function. The variant allele was found at a frequency of 4e-06 in 251464 control chromosomes (gnomAD). The available data on variant occurrences in the general population are insufficient to allow any conclusion about variant significance. c.644T>G has been reported in the literature in a setting of targeted whole exome sequencing in an individual affected with primary ovarian insufficiency (Bestetti_2021). This report does not provide unequivocal conclusions about association of the variant with Congenital Adrenal Hyperplasia. To our knowledge, no experimental evidence demonstrating an impact on protein function has been reported. The following publication has been ascertained in the context of this evaluation (PMID: 34480478). One submitter has provided a clinical-significance assessment for this variant to ClinVar after 2014 and has classified the variant as likely pathogenic. Based on the evidence outlined above, the variant was classified as uncertain significance.

Blueprint Genetics
Classification: Uncertain significance. Last evaluated: 2022-01-12. Review status: criteria provided, single submitter. Criteria: ACMG Guidelines, 2015. Collection method: clinical testing. Allele origin: germline.

Medical Cytogenetics and Molecular Genetics Laboratory, IRCCS Istituto Auxologico Italiano
Classification: Likely pathogenic for Premature ovarian failure. Last evaluated: 2020-03-02. Review status: criteria provided, single submitter. Criteria: ACMG Guidelines, 2015. Collection method: research. Allele origin: germline. Affected: yes. Observed: 1 variant allele.

Literature cited by the submitters: PubMed 34480478 (cited by Women's Health and Genetics/Laboratory Corporation of America, LabCorp).

NM_000102.4(CYP17A1):c.644T>G (p.Val215Gly)

Gene: CYP17A1 (cytochrome P450 family 17 subfamily A member 1; minus strand). Cytogenetic location: 10q24.32.
Variant type: single nucleotide variant.
Coding change: c.644T>G on transcript NM_000102.4 (MANE Select); coding-DNA position 644, T replaced by G.
Protein change: p.Val215Gly; replaces valine 215 with glycine.
Molecular consequence: missense variant.
Genome position (GRCh38, 1-based): chr10:102,834,807, A>C on the plus strand (T>G on the coding strand, the complement: CYP17A1 is on the minus strand). VCF-style: chr10-102834807-A-C. GRCh37 (hg19) VCF-style: chr10-104594564-A-C.
Other names: c.644T>G (NM_000102.3); short protein forms V215G.
Identifiers: ClinVar variation 929767 (VCV000929767.4), dbSNP rs1428700861, ClinGen allele CA377939768.
Genomic context (GRCh38, chr10:102,834,807, plus strand): 5'-TCTACTAGAACCTGAAGGCAGGGCTGGCAGCATCTCACCTTCAACCAGGGGACTAGGTCC[A>C]CCAGGCTGTCTTTGCTCAGGTTGTCTATGATGCCTTCATTGTAATTCTGTATGACATTCA-3'
Protein context (NP_000093.1, residues 205-225): IIDNLSKDSL[Val215Gly]DLVPWLKIFP